The following is an entry in ClinVar:

NM_000179.3(MSH6):c.2212_2222del (p.Val738fs)

Gene: MSH6 (mutS homolog 6; plus strand). Cytogenetic location: 2p16.3.
Variant type: Deletion.
Coding change: c.2212_2222del on transcript NM_000179.3 (MANE Select); coding-DNA positions 2212 to 2222, 11 bases deleted (GTGACATTAAA).
Protein change: p.Val738fs; shifts the reading frame from valine 738.
Molecular consequence: frameshift variant.
Genome position (GRCh38, 1-based): chr2:47,800,195-47,800,205, GTGACATTAAA deleted; deleting any 11 consecutive bases within chr2:47,800,194-47,800,205 gives the same sequence; the c. name uses the placement nearest the transcript's 3' end. VCF-style (leftmost placement, unchanged base first): chr2-47800193-CAGTGACATTAA-C. GRCh37 (hg19) VCF-style: chr2-48027332-CAGTGACATTAA-C.
Other names: c.1822_1832del, p.Val608fs (NM_001281492.2); c.1306_1316del, p.Val436fs (NM_001281493.2, NM_001281494.2); c.2212_2222del11 (NM_000179.2); short protein forms V436fs, V608fs, V738fs.
Identifiers: ClinVar variation 230929 (VCV000230929.6), dbSNP rs876658848, ClinGen allele CA10578098.

ClinVar aggregate classification (germline): Pathogenic. Review status: criteria provided, multiple submitters, no conflicts (2 of 4 stars). 2 submissions from 2 submitters: Pathogenic (2). Last evaluated 2025-11-05.

Conditions:
Hereditary nonpolyposis colorectal neoplasms. Identifiers: MedGen C0009405, MeSH D003123.
Hereditary cancer-predisposing syndrome. Also called: Neoplastic Syndromes, Hereditary; Tumor predisposition; Hereditary Cancer Syndrome; Hereditary neoplastic syndrome. Identifiers: Orphanet 140162, MedGen C0027672, MeSH D009386, MONDO:0015356.

Submissions (2):

Labcorp Genetics (formerly Invitae), Labcorp
Classification: Pathogenic for Hereditary nonpolyposis colorectal neoplasms. Last evaluated: 2025-11-05. Review status: criteria provided, single submitter. Criteria: Invitae Variant Classification Sherloc (09022015). Collection method: clinical testing. Allele origin: germline.
Comment: This sequence change creates a premature translational stop signal (p.Val738Glnfs*14) in the MSH6 gene. It is expected to result in an absent or disrupted protein product. Loss-of-function variants in MSH6 are known to be pathogenic (PMID: 18269114, 24362816). This variant is not present in population databases (gnomAD no frequency). This variant has not been reported in the literature in individuals affected with MSH6-related conditions. ClinVar contains an entry for this variant (Variation ID: 230929). For these reasons, this variant has been classified as Pathogenic.

Ambry Genetics
Classification: Pathogenic for Hereditary cancer-predisposing syndrome. Last evaluated: 2015-03-17. Review status: criteria provided, single submitter. Criteria: Ambry Variant Classification Scheme 2023. Collection method: clinical testing. Allele origin: germline.
Comment: The c.2212_2222del11 pathogenic mutation, located in coding exon 4 of the MSH6 gene, results from a deletion of 11 nucleotides between nucleotide positions 2212 and 2222, causing a translational frameshift with a predicted alternate stop codon. Since frameshifts are typically deleterious in nature, this alteration is interpreted as a disease-causing mutation (ACMG Recommendations for Standards for Interpretation and Reporting of Sequence Variations. Revision 2007. Genet Med. 2008;10:294).

Literature cited by the submitters: PubMed 18269114 (cited by Labcorp Genetics (formerly Invitae), Labcorp); PubMed 24362816 (cited by Labcorp Genetics (formerly Invitae), Labcorp).